The following is an entry in ClinVar:

ClinVar aggregate classification (germline): Uncertain significance. Review status: criteria provided, single submitter (1 of 4 stars). 2 submissions from 2 submitters: Uncertain significance (1). 1 of the submissions does not count toward it. Last evaluated 2017-06-06.

Conditions:
CFTR-related disorder (CFTR-RD). Also called: CFTR-related disorders; CFTR-related condition. Identifiers: MedGen C5924204, MONDO:7770004.

Allele frequency attached by ClinVar (database versions not stated): TOPMed 0.00002; gnomAD 0.00001.
gnomAD v4.1: 4 of 1,613,832 alleles (0.00025%); highest among the groups gnomAD compares: African/African-American, 0.0013%; no homozygotes.

Submissions (2):

Women's Health and Genetics/Laboratory Corporation of America, LabCorp
Classification: Uncertain significance. Last evaluated: 2017-06-06. Review status: criteria provided, single submitter. Criteria: LabCorp Variant Classification Summary - May 2015. Collection method: clinical testing. Allele origin: germline.
Comment: Variant summary: The CFTR c.4028G>T (p.Gly1343Val) variant involves the alteration of a conserved nucleotide, resulting in a missense substitution in the ABC transporter-like domain and the P-loop containing nucleoside triphosphate hydrolase domain (InterPro). 5/5 in silico tools predict a damaging outcome for this variant. This variant is absent from the large control database ExAC (0/121326 control chromosomes). To our knowledge, the variant of interest has not been reported in affected individuals via publications and/or reputable databases/clinical diagnostic laboratories, nor has it been evaluated for functional impact by in vivo/vitro studies. Because of the absence of clinical information and the lack of functional studies, the variant is classified as a variant of uncertain significance (VUS) until additional information becomes available.

Natera, Inc.
Classification: Uncertain significance for CFTR-related disorders. Last evaluated: 2018-05-26. Review status: no assertion criteria provided. Collection method: clinical testing. Allele origin: germline. Not counted in ClinVar's aggregate classification.

NM_000492.4(CFTR):c.4028G>T (p.Gly1343Val)

Gene: CFTR (CF transmembrane conductance regulator; plus strand). Cytogenetic location: 7q31.2.
Variant type: single nucleotide variant.
Coding change: c.4028G>T on transcript NM_000492.4 (MANE Select); coding-DNA position 4028, G replaced by T.
Protein change: p.Gly1343Val; replaces glycine 1343 with valine.
Molecular consequence: missense variant.
Genome position (GRCh38, 1-based): chr7:117,664,752, G>T. VCF-style: chr7-117664752-G-T. GRCh37 (hg19) VCF-style: chr7-117304806-G-T.
Other names: short protein forms G1343V.
Identifiers: ClinVar variation 495940 (VCV000495940.2), dbSNP rs773458471, ClinGen allele CA368982349.